The following is an entry in ClinVar:

ClinVar aggregate classification (germline): Uncertain significance (1 of 4 stars; one submission).

Allele frequency attached by ClinVar (database versions not stated): gnomAD 0.00001.
gnomAD v4.1: 1 of 1,613,844 alleles (0.000062%); highest among the groups gnomAD compares: Admixed American, 0.0017%; no homozygotes.

Submission:

Labcorp Genetics (formerly Invitae), Labcorp
Classification: Uncertain significance. Last evaluated: 2023-12-04. Review status: criteria provided, single submitter. Criteria: Invitae Variant Classification Sherloc (09022015). Collection method: clinical testing. Allele origin: germline.
Comment: This sequence change replaces arginine, which is basic and polar, with histidine, which is basic and polar, at codon 32 of the RPL35 protein (p.Arg32His). This variant is not present in population databases (gnomAD no frequency). This variant has not been reported in the literature in individuals affected with RPL35-related conditions. An algorithm developed to predict the effect of missense changes on protein structure and function (PolyPhen-2) suggests that this variant is likely to be tolerated. In summary, the available evidence is currently insufficient to determine the role of this variant in disease. Therefore, it has been classified as a Variant of Uncertain Significance.

NM_007209.4(RPL35):c.95G>A (p.Arg32His)

Gene: RPL35 (ribosomal protein L35; minus strand). Cytogenetic location: 9q33.3.
Variant type: single nucleotide variant.
Coding change: c.95G>A on transcript NM_007209.4 (MANE Select); coding-DNA position 95, G replaced by A.
Protein change: p.Arg32His; replaces arginine 32 with histidine.
Molecular consequence: missense variant.
Genome position (GRCh38, 1-based): chr9:124,861,464, C>T on the plus strand (G>A on the coding strand, the complement: RPL35 is on the minus strand). VCF-style: chr9-124861464-C-T. GRCh37 (hg19) VCF-style: chr9-127623743-C-T.
Other names: short protein forms R32H.
Identifiers: ClinVar variation 2872126 (VCV002872126.3), dbSNP rs1829195491, ClinGen allele CA374887210.